The following is an entry in ClinVar:

NM_006767.4(LZTR1):c.1450A>T (p.Lys484Ter)

Gene: LZTR1 (leucine zipper like post translational regulator 1; plus strand). Cytogenetic location: 22q11.21.
Variant type: single nucleotide variant.
Coding change: c.1450A>T on transcript NM_006767.4 (MANE Select); coding-DNA position 1450, A replaced by T.
Protein change: p.Lys484Ter; replaces lysine 484 with a stop codon.
Molecular consequence: nonsense.
Genome position (GRCh38, 1-based): chr22:20,994,104, A>T. VCF-style: chr22-20994104-A-T. GRCh37 (hg19) VCF-style: chr22-21348393-A-T.
Other names: short protein forms K484*.
Identifiers: ClinVar variation 4726673 (VCV004726673.1).

ClinVar aggregate classification (germline): Pathogenic (1 of 4 stars; one submission).

gnomAD v4.1: 1 of 1,578,108 alleles (0.000063%); highest among the groups gnomAD compares: Non-Finnish European, 0.000086%; no homozygotes.

Submission:

Labcorp Genetics (formerly Invitae), Labcorp
Classification: Pathogenic. Last evaluated: 2026-02-01. Review status: criteria provided, single submitter. Criteria: Invitae Variant Classification Sherloc (09022015). Collection method: clinical testing. Allele origin: germline.
Comment: This sequence change creates a premature translational stop signal (p.Lys484*) in the LZTR1 gene. It is expected to result in an absent or disrupted protein product. Loss-of-function variants in LZTR1 are known to be pathogenic (PMID: 24362817, 25335493, 25480913, 25795793, 29469822, 30368668, 30442762, 30442766, 30481304, 30859559). This variant is not present in population databases (gnomAD no frequency). This variant has not been reported in the literature in individuals affected with LZTR1-related conditions. Algorithms developed to predict the effect of sequence changes on RNA splicing suggest that this variant may create or strengthen a splice site. For these reasons, this variant has been classified as Pathogenic.

Literature cited by the submitters: PubMed 24362817; PubMed 25335493; PubMed 25480913; PubMed 25795793; PubMed 29469822; PubMed 30368668; PubMed 30442762; PubMed 30442766; PubMed 30481304; PubMed 30859559.